The following is an entry in ClinVar:

NM_005188.4(CBL):c.1346del (p.Gly449fs)

Gene: CBL (Cbl proto-oncogene; plus strand). Cytogenetic location: 11q23.3.
Variant type: Deletion.
Coding change: c.1346del on transcript NM_005188.4 (MANE Select); coding-DNA position 1346, one base deleted (G; older notation c.1346delG).
Protein change: p.Gly449fs; shifts the reading frame from glycine 449.
Molecular consequence: frameshift variant.
Genome position (GRCh38, 1-based): chr11:119,278,628, G deleted; the last of 3 consecutive G bases (chr11:119,278,626-119,278,628); deleting any one gives the same sequence. VCF-style (leftmost placement, unchanged base first): chr11-119278625-AG-A. GRCh37 (hg19) VCF-style: chr11-119149335-AG-A.
Other names: c.1346delG (NM_005188.3); short protein forms G449fs.
Identifiers: ClinVar variation 645711 (VCV000645711.8), dbSNP rs1592401235, ClinGen allele CA915947807.
Genomic context (GRCh38, chr11:119,278,625, plus strand): 5'-CCATCGTGGTAGATCCGTTTGATCCTAGAGGGAGTGGCAGCCTGTTGAGGCAAGGAGCAG[AG>A]GGAGCTCCCTCCCCAAATTATGATGATGATGATGATGAACGAGCTGATGATACTCTCTTC-3'

ClinVar aggregate classification (germline): Uncertain significance (1 of 4 stars; one submission).

Conditions:
RASopathy. Also called: rasopathies; Noonan spectrum disorder. Identifiers: Orphanet 536391, MedGen C5555857, MONDO:0021060.

Submission:

Labcorp Genetics (formerly Invitae), Labcorp
Classification: Uncertain significance for RASopathy. Last evaluated: 2022-05-13. Review status: criteria provided, single submitter. Criteria: Invitae Variant Classification Sherloc (09022015). Collection method: clinical testing. Allele origin: germline.
Comment: In summary, the available evidence is currently insufficient to determine the role of this variant in disease. Therefore, it has been classified as a Variant of Uncertain Significance. ClinVar contains an entry for this variant (Variation ID: 645711). This variant has not been reported in the literature in individuals affected with CBL-related conditions. This variant is not present in population databases (gnomAD no frequency). This sequence change creates a premature translational stop signal (p.Gly449Glufs*21) in the CBL gene. It is expected to result in an absent or disrupted protein product. However, the current clinical and genetic evidence is not sufficient to establish whether loss-of-function variants in CBL cause disease.